The following is an entry in ClinVar:

NM_144687.4(NLRP12):c.794A>G (p.Gln265Arg)

Gene: NLRP12 (NLR family pyrin domain containing 12; minus strand). Cytogenetic location: 19q13.42.
Variant type: single nucleotide variant.
Coding change: c.794A>G on transcript NM_144687.4 (MANE Select); coding-DNA position 794, A replaced by G.
Protein change: p.Gln265Arg; replaces glutamine 265 with arginine.
Molecular consequence: missense variant.
Genome position (GRCh38, 1-based): chr19:53,810,865, T>C on the plus strand (A>G on the coding strand, the complement: NLRP12 is on the minus strand). VCF-style: chr19-53810865-T-C. GRCh37 (hg19) VCF-style: chr19-54314119-T-C.
Other names: c.794A>G, p.Gln265Arg (NM_001277126.2, NM_001277129.1); short protein forms Q265R.
Identifiers: ClinVar variation 2696237 (VCV002696237.3), dbSNP rs2514348330, ClinGen allele CA407415784.

ClinVar aggregate classification (germline): Uncertain significance (1 of 4 stars; one submission).

Conditions:
Familial cold autoinflammatory syndrome 2 (FCAS2). Identifiers: Orphanet 247868, MedGen C2673198, MONDO:0012724, OMIM 611762.

Submission:

Labcorp Genetics (formerly Invitae), Labcorp
Classification: Uncertain significance for Familial cold autoinflammatory syndrome 2. Last evaluated: 2023-11-15. Review status: criteria provided, single submitter. Criteria: Invitae Variant Classification Sherloc (09022015). Collection method: clinical testing. Allele origin: germline.
Comment: This sequence change replaces glutamine, which is neutral and polar, with arginine, which is basic and polar, at codon 265 of the NLRP12 protein (p.Gln265Arg). This variant is not present in population databases (gnomAD no frequency). This variant has not been reported in the literature in individuals affected with NLRP12-related conditions. Advanced modeling of protein sequence and biophysical properties (such as structural, functional, and spatial information, amino acid conservation, physicochemical variation, residue mobility, and thermodynamic stability) performed at Invitae indicates that this missense variant is not expected to disrupt NLRP12 protein function with a negative predictive value of 80%. In summary, the available evidence is currently insufficient to determine the role of this variant in disease. Therefore, it has been classified as a Variant of Uncertain Significance.